The following is an entry in ClinVar:

ClinVar aggregate classification (germline): Uncertain significance. Review status: criteria provided, multiple submitters, no conflicts (2 of 4 stars). 2 submissions from 2 submitters: Uncertain significance (2). Last evaluated 2024-09-20.

Conditions:
Hereditary cancer-predisposing syndrome. Also called: Neoplastic Syndromes, Hereditary; Tumor predisposition; Hereditary neoplastic syndrome; Hereditary Cancer Syndrome. Identifiers: Orphanet 140162, MedGen C0027672, MeSH D009386, MONDO:0015356.
Ataxia-telangiectasia-like disorder (ATLD). Identifiers: MedGen C1858391, MONDO:0011457.

Submissions (2):

Labcorp Genetics (formerly Invitae), Labcorp
Classification: Uncertain significance for Ataxia-telangiectasia-like disorder. Last evaluated: 2024-09-20. Review status: criteria provided, single submitter. Criteria: Invitae Variant Classification Sherloc (09022015). Collection method: clinical testing. Allele origin: germline.
Comment: This sequence change replaces valine, which is neutral and non-polar, with leucine, which is neutral and non-polar, at codon 270 of the MRE11 protein (p.Val270Leu). This variant is not present in population databases (gnomAD no frequency). This variant has not been reported in the literature in individuals affected with MRE11-related conditions. ClinVar contains an entry for this variant (Variation ID: 827441). An algorithm developed to predict the effect of missense changes on protein structure and function (PolyPhen-2) suggests that this variant is likely to be disruptive. In summary, the available evidence is currently insufficient to determine the role of this variant in disease. Therefore, it has been classified as a Variant of Uncertain Significance.

Ambry Genetics
Classification: Uncertain significance for Hereditary cancer-predisposing syndrome. Last evaluated: 2018-01-08. Review status: criteria provided, single submitter. Criteria: Ambry Variant Classification Scheme 2023. Collection method: clinical testing. Allele origin: germline.
Comment: The p.V270L variant (also known as c.808G>T), located in coding exon 7 of the MRE11A gene, results from a G to T substitution at nucleotide position 808. The valine at codon 270 is replaced by leucine, an amino acid with highly similar properties. This amino acid position is highly conserved in available vertebrate species. In addition, this alteration is predicted to be deleterious by in silico analysis. Since supporting evidence is limited at this time, the clinical significance of this alteration remains unclear.

NM_005591.4(MRE11):c.808G>T (p.Val270Leu)

Gene: MRE11 (MRE11 double strand break repair nuclease; minus strand). Cytogenetic location: 11q21.
Variant type: single nucleotide variant.
Coding change: c.808G>T on transcript NM_005591.4 (MANE Select); coding-DNA position 808, G replaced by T.
Protein change: p.Val270Leu; replaces valine 270 with leucine.
Molecular consequence: missense variant.
Genome position (GRCh38, 1-based): chr11:94,471,611, C>A on the plus strand (G>T on the coding strand, the complement: MRE11 is on the minus strand). VCF-style: chr11-94471611-C-A. GRCh37 (hg19) VCF-style: chr11-94204777-C-A.
Other names: c.808G>T, p.Val270Leu (NM_001330347.2, NM_005590.4); short protein forms V270L.
Identifiers: ClinVar variation 827441 (VCV000827441.6), dbSNP rs1591694907, ClinGen allele CA382375555.
Genomic context (GRCh38, chr11:94,471,611, plus strand): 5'-GGCTCAAAATATATAACACTCACTTCTTTACAGCTTCTCCTGGGGAAAGAGAAGTAACCA[C>A]TGAGCTTCCAGGTTGTGAGATATAAAACAGCTGTTGTTCATTTTTGGTTGGAGCTATTTT-3'
Protein context (NP_005582.1, residues 260-280): LFYISQPGSS[Val270Leu]VTSLSPGEAV